The following is an entry in ClinVar:

ClinVar aggregate classification (germline): Conflicting classifications of pathogenicity. Review status: criteria provided, conflicting classifications (1 of 4 stars). 14 submissions from 13 submitters: Uncertain significance (1); Benign (3); Likely benign (6). 4 of the submissions do not count toward it. Last evaluated 2026-05-04.

Conditions:
SYNE1-related disorder. Also called: SYNE1-related disease; SYNE1-related condition; SYNE1-related disorders.
Autosomal recessive ataxia, Beauce type. Also called: ATAXIA, RECESSIVE, OF BEAUCE; Spinocerebellar ataxia, autosomal recessive 8; SYNE1 Deficiency; SYNE1-Related Autosomal Recessive Cerebellar Ataxia. Identifiers: Orphanet 88644, MedGen C1853116, MONDO:0012549, OMIM 610743.
Emery-Dreifuss muscular dystrophy 4, autosomal dominant (EDMD4). Also called: EMERY-DREIFUSS MUSCULAR DYSTROPHY 4 WITH VARIABLE FEATURES. Identifiers: Orphanet 261, MedGen C2751807, MONDO:0013071, OMIM 612998.

Allele frequency attached by ClinVar (database versions not stated): ESP Exome Variant Server 0.00085; ExAC 0.00123; gnomAD exomes 0.00125 and 0.00175; gnomAD 0.00147; TOPMed 0.00158; 1000 Genomes Project 0.00200; 1000 Genomes Project 30x 0.00203.
gnomAD v4.1: 2,785 of 1,613,880 alleles (0.17%); highest among the groups gnomAD compares: Admixed American, 0.38%; 4 homozygotes.

Submissions (14):

Women's Health and Genetics/Laboratory Corporation of America, LabCorp
Classification: Likely benign. Last evaluated: 2026-05-04. Review status: criteria provided, single submitter. Criteria: LabCorp Variant Classification Summary - May 2015. Collection method: clinical testing. Allele origin: germline.
Comment: Variant summary: SYNE1 c.1162G>A (p.Asp388Asn) results in a conservative amino acid change in the encoded protein sequence. Algorithms developed to predict the effect of missense changes on protein structure and function are either unavailable or do not agree on the potential impact of this missense change. The variant allele was found at a frequency of 0.0012 in 251018 control chromosomes, predominantly at a frequency of 0.0031 within the Latino subpopulation in the gnomAD database, including 2 homozygotes. The observed variant frequency within Latino control individuals in the gnomAD database exceeds the estimated maximal expected allele frequency for disease-causing variants in SYNE1. c.1162G>A has been observed in an individual with ataxia, in an individual with early-onset Alzheimer's disease, and in the homozygous state in an individual affected with an ataxic-spastic syndrome (example: Synofzik_2016, Bonomo_2025). These reports do not provide unequivocal conclusions about association of the variant with Autosomal recessive ataxia, Beauce type. To our knowledge, no experimental evidence demonstrating an impact on protein function has been reported. The following publication has been ascertained in the context of this evaluation (PMID: 27086870). ClinVar contains an entry for this variant (Variation ID: 194275). Based on the evidence outlined above, the variant was classified as likely benign.

CeGaT Center for Human Genetics Tuebingen
Classification: Likely benign. Last evaluated: 2026-03-01. Review status: criteria provided, single submitter. Criteria: CeGaT Center For Human Genetics Tuebingen Variant Classification Criteria Version 2. Collection method: clinical testing. Allele origin: germline. Affected: yes. Observed: 11 variant alleles.
Comment: SYNE1: BS2

Labcorp Genetics (formerly Invitae), Labcorp
Classification: Likely benign for Emery-Dreifuss muscular dystrophy 4, autosomal dominant; Autosomal recessive ataxia, Beauce type. Last evaluated: 2026-01-21. Review status: criteria provided, single submitter. Criteria: Invitae Variant Classification Sherloc (09022015). Collection method: clinical testing. Allele origin: germline.

Mayo Clinic Laboratories, Mayo Clinic
Classification: Likely benign. Last evaluated: 2025-09-25. Review status: criteria provided, single submitter. Criteria: ACMG Guidelines, 2015. Collection method: clinical testing. Allele origin: germline. Observed: 4 variant alleles.
Comment: BS1, BS2_supporting

Blueprint Genetics
Classification: Likely benign. Last evaluated: 2024-11-19. Review status: criteria provided, single submitter. Criteria: ACMG Guidelines, 2015. Collection method: clinical testing. Allele origin: germline.

GeneDx
Classification: Benign. Last evaluated: 2019-01-31. Review status: criteria provided, single submitter. Criteria: GeneDx Variant Classification Process June 2021. Collection method: clinical testing. Allele origin: germline. Affected: yes.
Comment: This variant is associated with the following publications: (PMID: 27812541)

Illumina Laboratory Services, Illumina
Classification: Benign for Emery-Dreifuss muscular dystrophy 4, autosomal dominant. Last evaluated: 2018-01-12. Review status: criteria provided, single submitter. Criteria: ICSL Variant Classification Criteria 13 December 2019. Collection method: clinical testing. Allele origin: germline.
Comment: This variant was observed in the ICSL laboratory as part of a predisposition screen in an ostensibly healthy population. It had not been previously curated by ICSL or reported in the Human Gene Mutation Database (HGMD: prior to June 1st, 2018), and was therefore a candidate for classification through an automated scoring system. Utilizing variant allele frequency, disease prevalence and penetrance estimates, and inheritance mode, an automated score was calculated to assess if this variant is too frequent to cause the disease. Based on the score and internal cut-off values, a variant classified as benign is not then subjected to further curation. The score for this variant resulted in a classification of benign for this disease.

Illumina Laboratory Services, Illumina
Classification: Uncertain significance for Autosomal recessive ataxia, Beauce type. Last evaluated: 2018-01-12. Review status: criteria provided, single submitter. Criteria: ICSL Variant Classification Criteria 13 December 2019. Collection method: clinical testing. Allele origin: germline.

Athena Diagnostics
Classification: Benign. Last evaluated: 2017-09-25. Review status: criteria provided, single submitter. Criteria: Athena Diagnostics Criteria. Collection method: clinical testing. Allele origin: germline.

Eurofins Ntd Llc (ga)
Classification: Likely benign. Last evaluated: 2016-09-14. Review status: criteria provided, single submitter. Criteria: EGL Classification Definitions 2015. Collection method: clinical testing. Allele origin: germline. Observed: 11 variant alleles, 11 heterozygotes.

PreventionGenetics, part of Exact Sciences
Classification: Likely benign for SYNE1-related condition. Last evaluated: 2023-06-22. Review status: no assertion criteria provided. Collection method: clinical testing. Allele origin: germline. Not counted in ClinVar's aggregate classification.
Comment: This variant is classified as likely benign based on ACMG/AMP sequence variant interpretation guidelines (Richards et al. 2015 PMID: 25741868, with internal and published modifications).

Clinical Genetics DNA and cytogenetics Diagnostics Lab, Erasmus MC, Erasmus Medical Center
Classification: Uncertain significance. Review status: no assertion criteria provided. Collection method: clinical testing. Allele origin: germline. Affected: yes. Study: VKGL Data-share Consensus. Not counted in ClinVar's aggregate classification.

Clinical Genetics, Academic Medical Center
Classification: Uncertain significance. Review status: no assertion criteria provided. Collection method: clinical testing. Allele origin: germline. Affected: yes. Study: VKGL Data-share Consensus. Not counted in ClinVar's aggregate classification.

Diagnostic Laboratory, Department of Genetics, University Medical Center Groningen
Classification: Uncertain significance. Review status: no assertion criteria provided. Collection method: clinical testing. Allele origin: germline. Affected: yes. Study: VKGL Data-share Consensus. Not counted in ClinVar's aggregate classification.

Literature cited by the submitters: PubMed 27086870 (cited by Women's Health and Genetics/Laboratory Corporation of America, LabCorp).

NM_182961.4(SYNE1):c.1141G>A (p.Asp381Asn)

Gene: SYNE1 (spectrin repeat containing nuclear envelope protein 1; minus strand). Cytogenetic location: 6q25.2.
Variant type: single nucleotide variant.
Coding change: c.1141G>A on transcript NM_182961.4 (MANE Select); coding-DNA position 1141, G replaced by A.
Protein change: p.Asp381Asn; replaces aspartic acid 381 with asparagine.
Molecular consequence: missense variant.
Genome position (GRCh38, 1-based): chr6:152,484,879, C>T on the plus strand (G>A on the coding strand, the complement: SYNE1 is on the minus strand). VCF-style: chr6-152484879-C-T. GRCh37 (hg19) VCF-style: chr6-152806014-C-T.
Other names: p.Asp388Asn; c.1162G>A, p.Asp388Asn (NM_033071.5); short protein forms D381N, D388N.
Identifiers: ClinVar variation 194275 (VCV000194275.64), dbSNP rs146366996, ClinGen allele CA240160.